The following is an entry in ClinVar:

ClinVar aggregate classification (germline): Conflicting classifications of pathogenicity. Review status: criteria provided, conflicting classifications (1 of 4 stars). 3 submissions from 3 submitters: Uncertain significance (2); Likely benign (1). Last evaluated 2024-11-07.

Conditions:
Epileptic encephalopathy. Identifiers: MedGen C0543888, HP:0200134.

Allele frequency attached by ClinVar (database versions not stated): TOPMed 0.00003; gnomAD 0.00006 and 0.00009; ExAC 0.00010; gnomAD exomes 0.00010; ESP Exome Variant Server 0.00016.
gnomAD v4.1: 151 of 1,609,888 alleles (0.0094%); highest among the groups gnomAD compares: Middle Eastern, 1%; 1 homozygote.

Submissions (3):

Blueprint Genetics
Classification: Likely benign. Last evaluated: 2024-11-07. Review status: criteria provided, single submitter. Criteria: ACMG Guidelines, 2015. Collection method: clinical testing. Allele origin: germline.

Labcorp Genetics (formerly Invitae), Labcorp
Classification: Uncertain significance for Epileptic encephalopathy. Last evaluated: 2022-01-14. Review status: criteria provided, single submitter. Criteria: Invitae Variant Classification Sherloc (09022015). Collection method: clinical testing. Allele origin: germline.
Comment: This sequence change replaces arginine, which is basic and polar, with glutamine, which is neutral and polar, at codon 2781 of the RYR3 protein (p.Arg2781Gln). This variant is present in population databases (rs375015024, gnomAD 0.03%). This variant has not been reported in the literature in individuals affected with RYR3-related conditions. ClinVar contains an entry for this variant (Variation ID: 570829). Algorithms developed to predict the effect of missense changes on protein structure and function are either unavailable or do not agree on the potential impact of this missense change (SIFT: "Deleterious"; PolyPhen-2: "Probably Damaging"; Align-GVGD: "Class C0"). In summary, the available evidence is currently insufficient to determine the role of this variant in disease. Therefore, it has been classified as a Variant of Uncertain Significance.

Breakthrough Genomics
Classification: Uncertain significance. Review status: criteria provided, single submitter. Criteria: ACMG Guidelines, 2015. Collection method: not provided. Allele origin: germline. Inheritance: Unknown mechanism. Affected: yes.

NM_001036.6(RYR3):c.8342G>A (p.Arg2781Gln)

Gene: RYR3 (ryanodine receptor 3; plus strand). Cytogenetic location: 15q14.
Variant type: single nucleotide variant.
Coding change: c.8342G>A on transcript NM_001036.6 (MANE Select); coding-DNA position 8342, G replaced by A.
Protein change: p.Arg2781Gln; replaces arginine 2781 with glutamine.
Molecular consequence: missense variant.
Genome position (GRCh38, 1-based): chr15:33,750,229, G>A. VCF-style: chr15-33750229-G-A. GRCh37 (hg19) VCF-style: chr15-34042430-G-A.
Other names: c.8342G>A, p.Arg2781Gln (NM_001243996.4); short protein forms R2781Q.
Identifiers: ClinVar variation 570829 (VCV000570829.7), dbSNP rs375015024, ClinGen allele CA7460181.